The following is an entry in ClinVar:

NM_001159699.2(FHL1):c.836G>A (p.Arg279His)

Gene: FHL1 (four and a half LIM domains 1; plus strand). Cytogenetic location: Xq26.3.
Variant type: single nucleotide variant.
Coding change: c.836G>A on transcript NM_001159699.2 (MANE Select); coding-DNA position 836, G replaced by A.
Protein change: p.Arg279His; replaces arginine 279 with histidine.
Molecular consequence: missense variant. On other transcripts: non-coding transcript variant (1), 3 prime UTR variant (6).
Genome position (GRCh38, 1-based): chrX:136,209,970, G>A. VCF-style: chrX-136209970-G-A. GRCh37 (hg19) VCF-style: chrX-135292129-G-A.
Other names: c.788G>A, p.Arg263His (NM_001159700.2, NM_001369331.1, NM_001449.5 and 4 more transcripts); c.875G>A, p.Arg292His (NM_001159701.2); c.*16G>A (NM_001159702.3, NM_001159703.2, NM_001330659.2 and 3 more transcripts); short protein forms R263H, R279H, R292H.
Identifiers: ClinVar variation 1062520 (VCV001062520.8), dbSNP rs377071251, ClinGen allele CA336096754.

ClinVar aggregate classification (germline): Uncertain significance. Review status: criteria provided, multiple submitters, no conflicts (2 of 4 stars). 3 submissions from 3 submitters: Uncertain significance (3). Last evaluated 2025-01-13.

Conditions:
Myopathy, reducing body, X-linked, childhood-onset (RBMX1B). Also called: REDUCING BODY MYOPATHY, X-LINKED 1B, WITH LATE CHILDHOOD OR ADULT ONSET. Identifiers: Orphanet 97239, MedGen C4225159, MONDO:0010415, OMIM 300718.
Myopathy, reducing body, X-linked, early-onset, severe (RBMX1A). Also called: REDUCING BODY MYOPATHY, X-LINKED 1, SEVERE, WITH INFANTILE OR EARLY CHILDHOOD ONSET. Identifiers: Orphanet 97239, MedGen C4225423, MONDO:0010414, OMIM 300717.
X-linked myopathy with postural muscle atrophy. Also called: FHL1-Related Emery-Dreifuss Muscular Dystrophy, X-Linked. Identifiers: Orphanet 178461, MedGen C2678055, MONDO:0010401, OMIM 300696.
X-linked scapuloperoneal muscular dystrophy. Also called: SCAPULOPERONEAL MYOPATHY, FHL1-RELATED. Identifiers: Orphanet 431272, MedGen C2678061, MONDO:0010400, OMIM 300695.
Uruguay Faciocardiomusculoskeletal syndrome. Identifiers: MedGen C1846010, MONDO:0010292, OMIM 300280.
Cardiovascular phenotype. Identifiers: MedGen CN230736.

Allele frequency attached by ClinVar (database versions not stated): gnomAD 0.00001; gnomAD exomes 0.00001; TOPMed 0.00001; ESP Exome Variant Server 0.00009.

Submissions (3):

Labcorp Genetics (formerly Invitae), Labcorp
Classification: Uncertain significance for X-linked myopathy with postural muscle atrophy. Last evaluated: 2025-01-13. Review status: criteria provided, single submitter. Criteria: Invitae Variant Classification Sherloc (09022015). Collection method: clinical testing. Allele origin: germline.
Comment: This sequence change replaces arginine, which is basic and polar, with histidine, which is basic and polar, at codon 263 of the FHL1 protein (p.Arg263His). This variant is not present in population databases (gnomAD no frequency). This variant has not been reported in the literature in individuals affected with FHL1-related conditions. ClinVar contains an entry for this variant (Variation ID: 1062520). An algorithm developed to predict the effect of missense changes on protein structure and function (PolyPhen-2) suggests that this variant is likely to be tolerated. In summary, the available evidence is currently insufficient to determine the role of this variant in disease. Therefore, it has been classified as a Variant of Uncertain Significance.

Ambry Genetics
Classification: Uncertain significance for Cardiovascular phenotype. Last evaluated: 2024-08-12. Review status: criteria provided, single submitter. Criteria: Ambry Variant Classification Scheme 2023. Collection method: clinical testing. Allele origin: germline.
Comment: The p.R263H variant (also known as c.788G>A), located in coding exon 5 of the FHL1 gene, results from a G to A substitution at nucleotide position 788. The arginine at codon 263 is replaced by histidine, an amino acid with highly similar properties. This amino acid position is well conserved in available vertebrate species. In addition, this alteration is predicted to be tolerated by in silico analysis. Since supporting evidence is limited at this time, the clinical significance of this alteration remains unclear.

Fulgent Genetics
Classification: Uncertain significance for Uruguay Faciocardiomusculoskeletal syndrome; X-linked scapuloperoneal muscular dystrophy; X-linked myopathy with postural muscle atrophy; Myopathy, reducing body, X-linked, early-onset, severe; Myopathy, reducing body, X-linked, childhood-onset. Last evaluated: 2021-10-25. Review status: criteria provided, single submitter. Criteria: ACMG Guidelines, 2015. Collection method: clinical testing. Allele origin: unknown.